The following is an entry in ClinVar:

ClinVar aggregate classification (germline): Likely pathogenic (1 of 4 stars; one submission).

Submission:

Dasa
Classification: Likely pathogenic. Last evaluated: 2026-02-24. Review status: criteria provided, single submitter. Criteria: DASA Assertion Criteria. Collection method: clinical testing. Allele origin: germline.
Comment: NM_004727.3(SLC24A1):c.2385del (p.Asp796Metfs*26) is a frameshift variant in SLC24A1 predicted to alter the reading frame and introduce a premature termination codon and is predicted to result in an absent or altered protein product. Loss of function is an established disease mechanism for SLC24A1-associated disorders. Also, this variant is rare in population databases. Based on the currently available evidence, this variant is classified as likely pathogenic.

NM_004727.3(SLC24A1):c.2385del (p.Asp796fs)

Gene: SLC24A1 (solute carrier family 24 member 1; plus strand). Cytogenetic location: 15q22.31.
Variant type: Deletion.
Coding change: c.2385del on transcript NM_004727.3 (MANE Select); coding-DNA position 2385, one base deleted (A; older notation c.2385delA).
Protein change: p.Asp796fs; shifts the reading frame from aspartic acid 796.
Molecular consequence: frameshift variant.
Genome position (GRCh38, 1-based): chr15:65,650,534, A deleted; the last of 2 consecutive A bases (chr15:65,650,533-65,650,534); deleting either gives the same sequence. VCF-style (leftmost placement, unchanged base first): chr15-65650532-GA-G. GRCh37 (hg19) VCF-style: chr15-65942870-GA-G.
Other names: c.366del, p.Asp123fs (NM_001254740.2); c.2385del, p.Asp796fs (NM_001301031.1); c.2331del, p.Asp778fs (NM_001301032.1, NM_001301033.2); c.2043del, p.Asp682fs (NM_001411142.1); short protein forms D123fs, D682fs, D778fs, D796fs.
Identifiers: ClinVar variation 4886496 (VCV004886496.2).